The following is an entry in ClinVar:

NM_006514.4(SCN10A):c.1517A>T (p.His506Leu)

Gene: SCN10A (sodium voltage-gated channel alpha subunit 10; minus strand). Cytogenetic location: 3p22.2.
Variant type: single nucleotide variant.
Coding change: c.1517A>T on transcript NM_006514.4 (MANE Select); coding-DNA position 1517, A replaced by T.
Protein change: p.His506Leu; replaces histidine 506 with leucine.
Molecular consequence: missense variant. On other transcripts: intron variant (1).
Genome position (GRCh38, 1-based): chr3:38,752,457, T>A on the plus strand (A>T on the coding strand, the complement: SCN10A is on the minus strand). VCF-style: chr3-38752457-T-A. GRCh37 (hg19) VCF-style: chr3-38793948-T-A.
Other names: c.1517A>T, p.His506Leu (NM_001293306.2); c.1462-2273A>T (NM_001293307.2); short protein forms H506L.
Identifiers: ClinVar variation 4804884 (VCV004804884.1).

ClinVar aggregate classification (germline): Uncertain significance (1 of 4 stars; one submission).

Conditions:
Brugada syndrome. Also called: Sudden unexpected nocturnal death syndrome; Sudden unexplained nocturnal death syndrome; Sudden Unexplained Death Syndrome; Sudden Unexplained Nocturnal Death Syndrome (SUNDS). Identifiers: Orphanet 130, MedGen C1142166, MONDO:0015263.

gnomAD v4.1: 1 of 1,612,316 alleles (0.000062%); highest among the groups gnomAD compares: Non-Finnish European, 0.000085%; no homozygotes.

Submission:

Labcorp Genetics (formerly Invitae), Labcorp
Classification: Uncertain significance for Brugada syndrome. Last evaluated: 2025-03-23. Review status: criteria provided, single submitter. Criteria: Invitae Variant Classification Sherloc (09022015). Collection method: clinical testing. Allele origin: germline.
Comment: This sequence change replaces histidine, which is basic and polar, with leucine, which is neutral and non-polar, at codon 506 of the SCN10A protein (p.His506Leu). This variant is not present in population databases (gnomAD no frequency). This variant has not been reported in the literature in individuals affected with SCN10A-related conditions. Invitae Evidence Modeling of protein sequence and biophysical properties (such as structural, functional, and spatial information, amino acid conservation, physicochemical variation, residue mobility, and thermodynamic stability) indicates that this missense variant is not expected to disrupt SCN10A protein function with a negative predictive value of 80%. In summary, the available evidence is currently insufficient to determine the role of this variant in disease. Therefore, it has been classified as a Variant of Uncertain Significance.